The following is an entry in ClinVar:

ClinVar aggregate classification (germline): Uncertain significance (1 of 4 stars; one submission).

Conditions:
Anauxetic dysplasia 2 (ANXD2). Identifiers: MedGen C4479357, MONDO:0054561, OMIM 617396.

Submission:

Juno Genomics, Hangzhou Juno Genomics, Inc
Classification: Uncertain significance for Anauxetic dysplasia 2. Review status: criteria provided, single submitter. Criteria: ACMG Guidelines, 2015. Collection method: clinical testing. Allele origin: germline.
Comment: Absent from controls (or at extremely low frequency if recessive) in Genome Aggregation Database.

NM_001145860.2(POP1):c.2880del (p.Arg961fs)

Gene: POP1 (POP1 ribonuclease P/MRP subunit; plus strand). Cytogenetic location: 8q22.2.
Variant type: Deletion.
Coding change: c.2880del on transcript NM_001145860.2 (MANE Select); coding-DNA position 2880, one base deleted (C; older notation c.2880delC).
Protein change: p.Arg961fs; shifts the reading frame from arginine 961.
Molecular consequence: frameshift variant.
Genome position (GRCh38, 1-based): chr8:98,158,076, C deleted; the last of 2 consecutive C bases (chr8:98,158,075-98,158,076); deleting either gives the same sequence. VCF-style (leftmost placement, unchanged base first): chr8-98158074-TC-T. GRCh37 (hg19) VCF-style: chr8-99170302-TC-T.
Other names: c.2880del, p.Arg961fs (NM_001145861.2, NM_015029.3); short protein forms R961fs.
Identifiers: ClinVar variation 5007359 (VCV005007359.2).